The following is an entry in ClinVar:

NM_173651.4(FSIP2):c.8003C>A (p.Ser2668Ter)

Genes: FSIP2 (fibrous sheath interacting protein 2; plus strand), FSIP2-AS1 (FSIP2 antisense RNA 1; minus strand). Cytogenetic location: 2q32.1.
Variant type: single nucleotide variant.
Coding change: c.8003C>A on transcript NM_173651.4 (MANE Select); coding-DNA position 8003, C replaced by A.
Protein change: p.Ser2668Ter; replaces serine 2668 with a stop codon.
Molecular consequence: nonsense.
Genome position (GRCh38, 1-based): chr2:185,795,139, C>A. VCF-style: chr2-185795139-C-A. GRCh37 (hg19) VCF-style: chr2-186659866-C-A.
Other names: short protein forms S2668*.
Identifiers: ClinVar variation 3356032 (VCV003356032.2).

ClinVar aggregate classification (germline): Pathogenic. Review status: criteria provided, single submitter (1 of 4 stars). 2 submissions from 2 submitters: Pathogenic (1). 1 of the submissions does not count toward it. Last evaluated 2025-07-23.

Conditions:
FSIP2-related disorder. Also called: FSIP2-related condition.
Spermatogenic failure 34. Identifiers: MedGen C4748403, MONDO:0029148, OMIM 618153.

gnomAD v4.1: 22 of 1,534,744 alleles (0.0014%); highest among the groups gnomAD compares: African/African-American, 0.0069%; no homozygotes.

Submissions (2):

Variantyx, Inc.
Classification: Pathogenic for Spermatogenic failure 34. Last evaluated: 2025-07-23. Review status: criteria provided, single submitter. Criteria: Variantyx Assertion Criteria 2022. Collection method: clinical testing. Allele origin: germline. Inheritance: Autosomal recessive inheritance. Affected: no.
Comment: This is a nonsense variant in the FSIP2 gene (OMIM: 615796). Pathogenic variants in this gene have been associated with autosomal recessive spermatogenic failure 34. This variant introduces a premature termination codon in exon 16 out of 23 and is expected to result in loss of function, which is a known disease mechanism for FSIP2 in this disorder (PMID: 30686508) (PVS1). This variant has been identified in the homozygous or compound heterozygous state in at least one individuals reported in the published literature (PMID: 30686508) (PM3). It has a 0.0069% maximum allele frequency in non-founder control populations (PM2). Based on the current evidence, this variant is classified as pathogenic for autosomal recessive spermatogenic failure 34.

PreventionGenetics, part of Exact Sciences
Classification: Pathogenic for FSIP2-related condition. Last evaluated: 2024-05-03. Review status: no assertion criteria provided. Collection method: clinical testing. Allele origin: germline. Not counted in ClinVar's aggregate classification.
Comment: The FSIP2 c.8003C>A variant is predicted to result in premature protein termination (p.Ser2668*). This variant was reported in the homozygous state in an individual with multiple morphological abnormalities of the flagella (table S1, Coutton et al. 2019. PubMed ID: 30686508). This variant is reported in 0.013% of alleles in individuals of African descent in gnomAD. Nonsense variants in FSIP2 are expected to be pathogenic. This variant is interpreted as pathogenic.

Literature cited by the submitters: PubMed 30686508 (cited by Variantyx, Inc.).